The following is an entry in ClinVar:

ClinVar aggregate classification (germline): Uncertain significance (1 of 4 stars; one submission).

Submission:

Labcorp Genetics (formerly Invitae), Labcorp
Classification: Uncertain significance. Last evaluated: 2022-03-15. Review status: criteria provided, single submitter. Criteria: Invitae Variant Classification Sherloc (09022015). Collection method: clinical testing. Allele origin: germline.
Comment: In summary, the available evidence is currently insufficient to determine the role of this variant in disease. Therefore, it has been classified as a Variant of Uncertain Significance. This variant has not been reported in the literature in individuals affected with PDE10A-related conditions. This variant is not present in population databases (gnomAD no frequency). This sequence change creates a premature translational stop signal (p.Val198Serfs*11) in the PDE10A gene. It is expected to result in an absent or disrupted protein product. However, the current clinical and genetic evidence is not sufficient to establish whether loss-of-function variants in PDE10A cause disease.

NM_001385079.1(PDE10A):c.1390_1391del (p.Val464fs)

Gene: PDE10A (phosphodiesterase 10A; minus strand). Cytogenetic location: 6q27.
Variant type: Deletion.
Coding change: c.1390_1391del on transcript NM_001385079.1 (MANE Select); coding-DNA positions 1390 to 1391, 2 bases deleted (GT; older notation c.1390_1391delGT).
Protein change: p.Val464fs; shifts the reading frame from valine 464.
Molecular consequence: frameshift variant.
Genome position (GRCh38, 1-based): chr6:165,433,074-165,433,075, AC deleted on the plus strand (GT on the coding strand, the reverse complement: PDE10A is on the minus strand); deleting any 2 consecutive bases within chr6:165,433,074-165,433,076 gives the same sequence; the c. name uses the placement nearest the transcript's 3' end. VCF-style (leftmost placement, unchanged base first): chr6-165433073-AAC-A. GRCh37 (hg19) VCF-style: chr6-165846561-AAC-A.
Other names: c.592_593del, p.Val198fs (NM_001130690.3); c.562_563del, p.Val188fs (NM_006661.4); short protein forms V188fs, V198fs, V464fs.
Identifiers: ClinVar variation 2085829 (VCV002085829.4), dbSNP rs2533999631, ClinGen allele CA2580075326.